The following is an entry in ClinVar:

ClinVar aggregate classification (germline): Uncertain significance (1 of 4 stars; one submission).

Submission:

Labcorp Genetics (formerly Invitae), Labcorp
Classification: Uncertain significance. Last evaluated: 2025-03-10. Review status: criteria provided, single submitter. Criteria: Invitae Variant Classification Sherloc (09022015). Collection method: clinical testing. Allele origin: germline.
Comment: This sequence change replaces valine, which is neutral and non-polar, with alanine, which is neutral and non-polar, at codon 258 of the GUF1 protein (p.Val258Ala). This variant is not present in population databases (gnomAD no frequency). This variant has not been reported in the literature in individuals affected with GUF1-related conditions. Invitae Evidence Modeling of protein sequence and biophysical properties (such as structural, functional, and spatial information, amino acid conservation, physicochemical variation, residue mobility, and thermodynamic stability) indicates that this missense variant is not expected to disrupt GUF1 protein function with a negative predictive value of 80%. In summary, the available evidence is currently insufficient to determine the role of this variant in disease. Therefore, it has been classified as a Variant of Uncertain Significance.

NM_021927.3(GUF1):c.773T>C (p.Val258Ala)

Gene: GUF1 (GTP binding elongation factor GUF1; plus strand). Cytogenetic location: 4p12.
Variant type: single nucleotide variant.
Coding change: c.773T>C on transcript NM_021927.3 (MANE Select); coding-DNA position 773, T replaced by C.
Protein change: p.Val258Ala; replaces valine 258 with alanine.
Molecular consequence: missense variant. On other transcripts: 5 prime UTR variant (2).
Genome position (GRCh38, 1-based): chr4:44,686,548, T>C. VCF-style: chr4-44686548-T-C. GRCh37 (hg19) VCF-style: chr4-44688565-T-C.
Other names: c.-200T>C (NM_001345867.2, NM_001345869.2); c.773T>C, p.Val258Ala (NM_001345868.2); short protein forms V258A.
Identifiers: ClinVar variation 4745872 (VCV004745872.1).